The following is an entry in ClinVar:

ClinVar aggregate classification (germline): Pathogenic (1 of 4 stars; one submission).

Conditions:
X-linked Alport syndrome (ATS1). Also called: NEPHROPATHY AND DEAFNESS, X-LINKED; COL4A5-Related Nephropathy. Identifiers: Orphanet 63, Orphanet 88917, MedGen C4746986, MONDO:0010520, OMIM 301050.

Submission:

Center for Human Genetics and Genomic Medicine, Uniklinik Rwth Aachen
Classification: Pathogenic for X-linked Alport syndrome. Last evaluated: 2021-08-27. Review status: criteria provided, single submitter. Criteria: ACMG Guidelines, 2015. Collection method: clinical testing. Allele origin: de novo. Inheritance: Autosomal dominant inheritance. Affected: yes. Observed: 1 variant allele, 1 heterozygote.
Comment: To the best of our knowledge, the detected change has not yet been reported in this form in the relevant databases (dbSNP151, gnomAD, ClinVar). It leads to a frame shift and therefore, in all probability, to a loss of function of the corresponding protein. The segregation analysis of the parents suggests a de novo emergence of the variant. The variant is classified as a pathogenic variant (ACMG criteria).

NM_033380.3(COL4A5):c.1545_1546del (p.Glu516fs)

Gene: COL4A5 (collagen type IV alpha 5 chain; plus strand). Cytogenetic location: Xq22.3.
Variant type: Deletion.
Coding change: c.1545_1546del on transcript NM_033380.3 (MANE Select); coding-DNA positions 1545 to 1546, 2 bases deleted (GG; older notation c.1545_1546delGG).
Protein change: p.Glu516fs; shifts the reading frame from glutamic acid 516.
Molecular consequence: frameshift variant.
Genome position (GRCh38, 1-based): chrX:108,597,026-108,597,027, GG deleted; deleting any 2 consecutive bases within chrX:108,597,024-108,597,027 gives the same sequence; the c. name uses the placement nearest the transcript's 3' end. VCF-style (leftmost placement, unchanged base first): chrX-108597023-AGG-A. GRCh37 (hg19) VCF-style: chrX-107840253-AGG-A.
Other names: c.1545_1546del, p.Glu516fs (NM_000495.5); short protein forms E516fs.
Identifiers: ClinVar variation 1210291 (VCV001210291.3), dbSNP rs2147809078, ClinGen allele CA2499226307.
Genomic context (GRCh38, chrX:108,597,023, plus strand): 5'-GTGTGTGTGTGTTTGTTTGTGTGTGTGTGTGTTAGGATCTCTTGGTTTCCCTGGACAGAA[AGG>A]GGAAAAAGGACAAGCTGGTGCAACTGGTCCCAAAGGATTACCAGTAAGTTTTGAGTATAT-3'